The following is an entry in ClinVar:

NM_000263.4(NAGLU):c.383+3A>G

Gene: NAGLU (N-acetyl-alpha-glucosaminidase; plus strand). Cytogenetic location: 17q21.2.
Variant type: single nucleotide variant.
Coding change: c.383+3A>G on transcript NM_000263.4 (MANE Select); 3 bases into the intron after coding-DNA position 383, A replaced by G.
Molecular consequence: intron variant.
Genome position (GRCh38, 1-based): chr17:42,536,658, A>G. VCF-style: chr17-42536658-A-G. GRCh37 (hg19) VCF-style: chr17-40688676-A-G.
Identifiers: ClinVar variation 2168103 (VCV002168103.1), dbSNP rs973544618, ClinGen allele CA290771456.

ClinVar aggregate classification (germline): Uncertain significance (1 of 4 stars; one submission).

Conditions:
Charcot-Marie-Tooth disease axonal type 2V. Also called: CHARCOT-MARIE-TOOTH NEUROPATHY, TYPE 2V; CHARCOT-MARIE-TOOTH DISEASE, AXONAL, AUTOSOMAL DOMINANT, TYPE 2V. Identifiers: Orphanet 447964, MedGen C5569050, MONDO:0014665, OMIM 616491.
Mucopolysaccharidosis, MPS-III-B (MPS3B). Also called: N-ACETYL-ALPHA-D-GLUCOSAMINIDASE DEFICIENCY; NAGLU DEFICIENCY; SANFILIPPO SYNDROME B; MPS III B; MUCOPOLYSACCHARIDOSIS, TYPE IIIB; MPS IIIB (Sanfilippo Syndrome Type B). Identifiers: Orphanet 79270, MedGen C0086648, MONDO:0009656, OMIM 252920.

Allele frequency attached by ClinVar (database versions not stated): gnomAD exomes 0.00001; TOPMed 0.00001; gnomAD 0.00003.
gnomAD v4.1: 23 of 1,496,076 alleles (0.0015%); highest among the groups gnomAD compares: South Asian, 0.024%; no homozygotes.

Submission:

Labcorp Genetics (formerly Invitae), Labcorp
Classification: Uncertain significance for Charcot-Marie-Tooth disease axonal type 2V; Mucopolysaccharidosis, MPS-III-B. Last evaluated: 2022-06-30. Review status: criteria provided, single submitter. Criteria: Invitae Variant Classification Sherloc (09022015). Collection method: clinical testing. Allele origin: germline.
Comment: This sequence change falls in intron 1 of the NAGLU gene. It does not directly change the encoded amino acid sequence of the NAGLU protein. It affects a nucleotide within the consensus splice site. The frequency data for this variant in the population databases is considered unreliable, as metrics indicate poor data quality at this position in the gnomAD database. This variant has not been reported in the literature in individuals affected with NAGLU-related conditions. Variants that disrupt the consensus splice site are a relatively common cause of aberrant splicing (PMID: 17576681, 9536098). Algorithms developed to predict the effect of sequence changes on RNA splicing suggest that this variant may disrupt the consensus splice site. In summary, the available evidence is currently insufficient to determine the role of this variant in disease. Therefore, it has been classified as a Variant of Uncertain Significance.

Literature cited by the submitters: PubMed 17576681; PubMed 9536098.